The following is an entry in ClinVar:

ClinVar aggregate classification (germline): Conflicting classifications of pathogenicity. Review status: criteria provided, conflicting classifications (1 of 4 stars). 5 submissions from 5 submitters: Uncertain significance (3); Likely benign (2). Last evaluated 2024-12-08.

Conditions:
Inborn genetic diseases. Identifiers: MedGen C0950123, MeSH D030342.
Intellectual disability-facial dysmorphism syndrome due to SETD5 haploinsufficiency (MRD23). Also called: Intellectual developmental disorder, autosomal dominant 23. Identifiers: Orphanet 404440, MedGen C3810406, MONDO:0014336, OMIM 615761.

Allele frequency attached by ClinVar (database versions not stated): gnomAD 0.00008 and 0.00010; TOPMed 0.00011; gnomAD exomes 0.00027; ESP Exome Variant Server 0.00017.
gnomAD v4.1: 405 of 1,584,400 alleles (0.026%); highest among the groups gnomAD compares: Non-Finnish European, 0.033%; no homozygotes.

Submissions (5):

Labcorp Genetics (formerly Invitae), Labcorp
Classification: Likely benign. Last evaluated: 2024-12-08. Review status: criteria provided, single submitter. Criteria: Invitae Variant Classification Sherloc (09022015). Collection method: clinical testing. Allele origin: germline.

Department of Pathology and Laboratory Medicine, Sinai Health System
Classification: Uncertain significance for Intellectual disability-facial dysmorphism syndrome due to SETD5 haploinsufficiency. Last evaluated: 2023-02-06. Review status: criteria provided, single submitter. Criteria: ACMG Guidelines, 2015. Collection method: research. Allele origin: germline.

Ambry Genetics
Classification: Likely benign for Inborn genetic diseases. Last evaluated: 2022-08-26. Review status: criteria provided, single submitter. Criteria: Ambry Variant Classification Scheme 2023. Collection method: clinical testing. Allele origin: germline.

Baylor Genetics
Classification: Uncertain significance for Intellectual disability-facial dysmorphism syndrome due to SETD5 haploinsufficiency. Last evaluated: 2018-12-10. Review status: criteria provided, single submitter. Criteria: ACMG Guidelines, 2015. Collection method: clinical testing. Allele origin: paternal. Affected: yes.
Comment: This variant was determined to be of uncertain significance according to ACMG Guidelines, 2015 [PMID:25741868].

Genomic Diagnostic Laboratory, Division of Genomic Diagnostics, Children's Hospital of Philadelphia
Classification: Uncertain significance. Last evaluated: 2015-08-24. Review status: criteria provided, single submitter. Criteria: DGD Variant Analysis Guidelines. Collection method: clinical testing. Allele origin: unknown.

NM_001080517.3(SETD5):c.2462G>A (p.Cys821Tyr)

Gene: SETD5 (SET domain containing 5; plus strand). Cytogenetic location: 3p25.3.
Variant type: single nucleotide variant.
Coding change: c.2462G>A on transcript NM_001080517.3 (MANE Select); coding-DNA position 2462, G replaced by A.
Protein change: p.Cys821Tyr; replaces cysteine 821 with tyrosine.
Molecular consequence: missense variant.
Genome position (GRCh38, 1-based): chr3:9,453,854, G>A. VCF-style: chr3-9453854-G-A. GRCh37 (hg19) VCF-style: chr3-9495538-G-A.
Other names: c.2168G>A, p.Cys723Tyr (NM_001292043.2, NM_001349451.2); short protein forms C821Y, C723Y.
Identifiers: ClinVar variation 252524 (VCV000252524.12), dbSNP rs376767548, ClinGen allele CA2239454.